The following is an entry in ClinVar:

ClinVar aggregate classification (germline): Uncertain significance (1 of 4 stars; one submission).

gnomAD v4.1: 7 of 1,614,248 alleles (0.00043%); highest among the groups gnomAD compares: African/African-American, 0.0013%; no homozygotes.

Submission:

Labcorp Genetics (formerly Invitae), Labcorp
Classification: Uncertain significance. Last evaluated: 2025-03-26. Review status: criteria provided, single submitter. Criteria: Invitae Variant Classification Sherloc (09022015). Collection method: clinical testing. Allele origin: germline.
Comment: This sequence change replaces leucine, which is neutral and non-polar, with phenylalanine, which is neutral and non-polar, at codon 1288 of the ARHGAP31 protein (p.Leu1288Phe). This variant is present in population databases (no rsID available, gnomAD 0.002%). This variant has not been reported in the literature in individuals affected with ARHGAP31-related conditions. An algorithm developed to predict the effect of missense changes on protein structure and function (PolyPhen-2) suggests that this variant is likely to be disruptive. In summary, the available evidence is currently insufficient to determine the role of this variant in disease. Therefore, it has been classified as a Variant of Uncertain Significance.

NM_020754.4(ARHGAP31):c.3862C>T (p.Leu1288Phe)

Gene: ARHGAP31 (Rho GTPase activating protein 31; plus strand). Cytogenetic location: 3q13.33.
Variant type: single nucleotide variant.
Coding change: c.3862C>T on transcript NM_020754.4 (MANE Select); coding-DNA position 3862, C replaced by T.
Protein change: p.Leu1288Phe; replaces leucine 1288 with phenylalanine.
Molecular consequence: missense variant.
Genome position (GRCh38, 1-based): chr3:119,415,791, C>T. VCF-style: chr3-119415791-C-T. GRCh37 (hg19) VCF-style: chr3-119134638-C-T.
Other names: short protein forms L1288F.
Identifiers: ClinVar variation 4766364 (VCV004766364.1).
Genomic context (GRCh38, chr3:119,415,791, plus strand): 5'-GGAGCCATTAAGTCCTCACCAGTGGATGCCACTGCACCCTGCATGTGCGAGGGACCTACC[C>T]TTTCTCCAGAACCAGGCTCGTCTAACCTGCTCTCCACCCAGGATGCAGTAGTGCAATGCA-3'
Protein context (NP_065805.2, residues 1278-1298): TAPCMCEGPT[Leu1288Phe]SPEPGSSNLL